The following is an entry in ClinVar:

ClinVar aggregate classification (germline): Uncertain significance (1 of 4 stars; one submission).

Conditions:
Hereditary cancer-predisposing syndrome. Also called: Neoplastic Syndromes, Hereditary; Tumor predisposition; Hereditary neoplastic syndrome; Hereditary Cancer Syndrome. Identifiers: Orphanet 140162, MedGen C0027672, MeSH D009386, MONDO:0015356.

Submission:

Ambry Genetics
Classification: Uncertain significance for Hereditary cancer-predisposing syndrome. Last evaluated: 2026-09-06. Review status: criteria provided, single submitter. Criteria: Ambry Variant Classification Scheme 2023. Collection method: clinical testing. Allele origin: germline.
Comment: The p.E163D variant (also known as c.489G>C), located in coding exon 5 of the FANCC gene, results from a G to C substitution at nucleotide position 489. The glutamic acid at codon 163 is replaced by aspartic acid, an amino acid with highly similar properties. This amino acid position is conserved. In addition, this alteration is predicted to be tolerated by in silico analysis. Based on the available evidence, the clinical significance of this variant remains unclear.

NM_000136.3(FANCC):c.489G>C (p.Glu163Asp)

Gene: FANCC (FA complementation group C; minus strand). Cytogenetic location: 9q22.32.
Variant type: single nucleotide variant.
Coding change: c.489G>C on transcript NM_000136.3 (MANE Select); coding-DNA position 489, G replaced by C.
Protein change: p.Glu163Asp; replaces glutamic acid 163 with aspartic acid.
Molecular consequence: missense variant.
Genome position (GRCh38, 1-based): chr9:95,171,111, C>G on the plus strand (G>C on the coding strand, the complement: FANCC is on the minus strand). VCF-style: chr9-95171111-C-G. GRCh37 (hg19) VCF-style: chr9-97933393-C-G.
Other names: c.489G>C, p.Glu163Asp (NM_001243743.2, NM_001243744.2); short protein forms E163D.
Identifiers: ClinVar variation 5036486 (VCV005036486.1).